The following is an entry in ClinVar:

NM_014363.6(SACS):c.3195T>C (p.Phe1065=)

Gene: SACS (sacsin molecular chaperone; minus strand). Cytogenetic location: 13q12.12.
Variant type: single nucleotide variant.
Coding change: c.3195T>C on transcript NM_014363.6 (MANE Select); coding-DNA position 3195, T replaced by C.
Protein change: p.Phe1065=; no amino-acid change (phenylalanine 1065 retained).
Molecular consequence: synonymous variant.
Genome position (GRCh38, 1-based): chr13:23,340,681, A>G on the plus strand (T>C on the coding strand, the complement: SACS is on the minus strand). VCF-style: chr13-23340681-A-G. GRCh37 (hg19) VCF-style: chr13-23914820-A-G.
Other names: c.2754T>C, p.Phe918= (NM_001278055.2); c.3195T>C (NM_014363.5).
Identifiers: ClinVar variation 2081271 (VCV002081271.5), dbSNP rs746916622, ClinGen allele CA6911556.
Genomic context (GRCh38, chr13:23,340,681, plus strand): 5'-GTGAAGAATATCTGGTGAGGTAAAAACTGAGGGTGGGAAATAGGTTCCTTCTTCATTACA[A>G]AAGAGATCCTTTAGTACTTCTATATCAGGGTCAAAGAGTTCACCAGCTGATACCATCTGT-3'
Protein context (NP_055178.3, residues 1055-1075): DPDIEVLKDL[Phe1065=]CNEEGTYFPP

ClinVar aggregate classification (germline): Likely benign. Review status: criteria provided, multiple submitters, no conflicts (2 of 4 stars). 2 submissions from 2 submitters: Likely benign (2). Last evaluated 2026-01-13.

Conditions:
SACS-related disorder. Also called: SACS-related condition.
Spastic paraplegia. Identifiers: MedGen C0037772, HP:0001258.

Allele frequency attached by ClinVar (database versions not stated): TOPMed below 0.00001; ExAC 0.00001; gnomAD 0.00001.
gnomAD v4.1: 7 of 1,594,118 alleles (0.00044%); highest among the groups gnomAD compares: Admixed American, 0.0054%; no homozygotes.

Submissions (2):

PreventionGenetics, part of Exact Sciences
Classification: Likely benign for SACS-related condition. Last evaluated: 2026-01-13. Review status: criteria provided, single submitter. Criteria: ACMG Guidelines, 2015. Collection method: clinical testing. Allele origin: germline.
Comment: This variant is classified as likely benign based on ACMG/AMP sequence variant interpretation guidelines (Richards et al. 2015 PMID: 25741868, with internal and published modifications).

Labcorp Genetics (formerly Invitae), Labcorp
Classification: Likely benign for Spastic paraplegia. Last evaluated: 2023-08-28. Review status: criteria provided, single submitter. Criteria: Invitae Variant Classification Sherloc (09022015). Collection method: clinical testing. Allele origin: germline.